The following is an entry in ClinVar:

ClinVar aggregate classification (germline): Uncertain significance (1 of 4 stars; one submission).

gnomAD v4.1: 1 of 1,613,492 alleles (0.000062%); highest among the groups gnomAD compares: Non-Finnish European, 0.000085%; no homozygotes.

Submission:

Ambry Genetics
Classification: Uncertain significance. Last evaluated: 2024-05-04. Review status: criteria provided, single submitter. Criteria: Ambry Variant Classification Scheme 2023. Collection method: clinical testing. Allele origin: germline.
Comment: The p.D1109H variant (also known as c.3325G>C), located in coding exon 16 of the POLQ gene, results from a G to C substitution at nucleotide position 3325. The aspartic acid at codon 1109 is replaced by histidine, an amino acid with similar properties. This amino acid position is conserved. In addition, this alteration is predicted to be tolerated by in silico analysis. Based on the available evidence, the clinical significance of this variant remains unclear.

NM_199420.4(POLQ):c.3325G>C (p.Asp1109His)

Gene: POLQ (DNA polymerase theta; minus strand). Cytogenetic location: 3q13.33.
Variant type: single nucleotide variant.
Coding change: c.3325G>C on transcript NM_199420.4 (MANE Select); coding-DNA position 3325, G replaced by C.
Protein change: p.Asp1109His; replaces aspartic acid 1109 with histidine.
Molecular consequence: missense variant.
Genome position (GRCh38, 1-based): chr3:121,489,606, C>G on the plus strand (G>C on the coding strand, the complement: POLQ is on the minus strand). VCF-style: chr3-121489606-C-G. GRCh37 (hg19) VCF-style: chr3-121208453-C-G.
Other names: short protein forms D1109H.
Identifiers: ClinVar variation 3308666 (VCV003308666.1).
Genomic context (GRCh38, chr3:121,489,606, plus strand): 5'-TTAGTGTTATGTTCCATGAACAATTTTGCTTTATTTGTAATGGGAATGATGTTTTATTAT[C>G]TTTTTCCTTACCACTCAAAGATACATTTTTAGCAAATGGCCCTGAATTTCTAAATTCCGT-3'
Protein context (NP_955452.3, residues 1099-1119): KNVSLSGKEK[Asp1109His]NKTSFPLQIK